The following is an entry in ClinVar:

ClinVar aggregate classification (germline): Pathogenic (1 of 4 stars; one submission).

Conditions:
46,XY sex reversal 1. Also called: SRY-related 46,XY complete gonadal dysgenesis; 46,XY SEX REVERSAL, SRY-RELATED. Identifiers: Orphanet 242, MedGen C2748896, MONDO:0020712, OMIM 400044.

Submission:

Labcorp Genetics (formerly Invitae), Labcorp
Classification: Pathogenic for 46,XY sex reversal 1. Last evaluated: 2023-06-14. Review status: criteria provided, single submitter. Criteria: Invitae Variant Classification Sherloc (09022015). Collection method: clinical testing. Allele origin: germline.
Comment: For these reasons, this variant has been classified as Pathogenic. This variant disrupts a region of the SRY protein in which other variant(s) (p.Ile68Thr) have been determined to be pathogenic (PMID: 1438307). This suggests that this is a clinically significant region of the protein, and that variants that disrupt it are likely to be disease-causing. This variant has not been reported in the literature in individuals affected with SRY-related conditions. The frequency data for this variant in the population databases is considered unreliable, as metrics indicate insufficient coverage at this position in the gnomAD database. This sequence change creates a premature translational stop signal (p.Arg59Glnfs*45) in the SRY gene. While this is not anticipated to result in nonsense mediated decay, it is expected to disrupt the last 146 amino acid(s) of the SRY protein.

Literature cited by the submitters: PubMed 1438307.

NM_003140.3(SRY):c.174_175insC (p.Arg59fs)

Gene: SRY (sex determining region Y; minus strand). Cytogenetic location: Yp11.2.
Variant type: Insertion.
Coding change: c.174_175insC on transcript NM_003140.3 (MANE Select); coding-DNA positions 174 to 175, C inserted.
Protein change: p.Arg59fs; shifts the reading frame from arginine 59.
Molecular consequence: frameshift variant.
Genome position: GRCh38 VCF-style: chrY-2787429-T-TG. GRCh37 (hg19) VCF-style: chrY-2655470-T-TG.
Other names: short protein forms R59fs.
Identifiers: ClinVar variation 2693711 (VCV002693711.3), dbSNP rs2521870550, ClinGen allele CA2697544887.